The following is an entry in ClinVar:

ClinVar aggregate classification (germline): Uncertain significance (1 of 4 stars; one submission).

Submission:

GeneDx
Classification: Uncertain significance. Last evaluated: 2025-09-19. Review status: criteria provided, single submitter. Criteria: GeneDx Variant Classification Process June 2021. Collection method: clinical testing. Allele origin: germline. Affected: yes.
Comment: Not observed at significant frequency in large population cohorts (gnomAD); Has not been previously published as pathogenic or benign to our knowledge; In silico analysis suggests this variant may impact gene splicing. In the absence of RNA/functional studies, the actual effect of this sequence change is unknown.

NM_000141.5(FGFR2):c.1673-4A>C

Gene: FGFR2 (fibroblast growth factor receptor 2; minus strand). Cytogenetic location: 10q26.13.
Variant type: single nucleotide variant.
Coding change: c.1673-4A>C on transcript NM_000141.5 (MANE Select); 4 bases into the intron before coding-DNA position 1673, A replaced by C.
Molecular consequence: intron variant.
Genome position (GRCh38, 1-based): chr10:121,496,726, T>G on the plus strand (A>C on the coding strand, the complement: FGFR2 is on the minus strand). VCF-style: chr10-121496726-T-G. GRCh37 (hg19) VCF-style: chr10-123256240-T-G.
Other names: c.1337-4A>C (NM_001144914.1); c.1322-4A>C (NM_001144918.2, NM_001441091.1); c.1328-4A>C (NM_001441090.1, NM_001144916.2); c.1400-4A>C (NM_001441089.1); c.1406-4A>C (NM_023029.3, NM_001144915.2); c.1403-4A>C (NM_001441088.1); c.1325-4A>C (NM_001144917.2); c.1667-4A>C (NM_001320658.2); and 4 more.
Identifiers: ClinVar variation 4813885 (VCV004813885.1).